The following is an entry in ClinVar:

ClinVar aggregate classification (germline): Uncertain significance. Review status: criteria provided, multiple submitters, no conflicts (2 of 4 stars). 2 submissions from 2 submitters: Uncertain significance (2). Last evaluated 2025-06-01.

Conditions:
Hereditary cancer-predisposing syndrome. Also called: Hereditary Cancer Syndrome; Tumor predisposition; Neoplastic Syndromes, Hereditary; Hereditary neoplastic syndrome. Identifiers: Orphanet 140162, MedGen C0027672, MeSH D009386, MONDO:0015356.
Familial cancer of breast. Also called: BREAST CANCER, FAMILIAL; Hereditary breast cancer; hereditary breast carcinoma. Identifiers: Orphanet 227535, MedGen C0346153, MONDO:0016419, OMIM 114480. Disease mechanism: loss of function.

Allele frequency attached by ClinVar (database versions not stated): gnomAD exomes below 0.00001.
gnomAD v4.1: 1 of 1,613,992 alleles (0.000062%); highest among the groups gnomAD compares: Non-Finnish European, 0.000085%; no homozygotes.

Submissions (2):

Ambry Genetics
Classification: Uncertain significance for Hereditary cancer-predisposing syndrome. Last evaluated: 2025-06-01. Review status: criteria provided, single submitter. Criteria: Ambry Variant Classification Scheme 2023. Collection method: clinical testing. Allele origin: germline.
Comment: The p.E429G variant (also known as c.1286A>G), located in coding exon 4 of the BARD1 gene, results from an A to G substitution at nucleotide position 1286. The glutamic acid at codon 429 is replaced by glycine, an amino acid with similar properties. This amino acid position is conserved. In addition, the in silico prediction for this alteration is inconclusive. Based on the available evidence, the clinical significance of this variant remains unclear.

Labcorp Genetics (formerly Invitae), Labcorp
Classification: Uncertain significance for Familial cancer of breast. Last evaluated: 2023-06-30. Review status: criteria provided, single submitter. Criteria: Invitae Variant Classification Sherloc (09022015). Collection method: clinical testing. Allele origin: germline.
Comment: This sequence change replaces glutamic acid, which is acidic and polar, with glycine, which is neutral and non-polar, at codon 429 of the BARD1 protein (p.Glu429Gly). This variant is not present in population databases (gnomAD no frequency). This variant has not been reported in the literature in individuals affected with BARD1-related conditions. ClinVar contains an entry for this variant (Variation ID: 2119222). An algorithm developed to predict the effect of missense changes on protein structure and function (PolyPhen-2) suggests that this variant is likely to be disruptive. In summary, the available evidence is currently insufficient to determine the role of this variant in disease. Therefore, it has been classified as a Variant of Uncertain Significance.

NM_000465.4(BARD1):c.1286A>G (p.Glu429Gly)

Gene: BARD1 (BRCA1 associated RING domain 1; minus strand). Cytogenetic location: 2q35.
Variant type: single nucleotide variant.
Coding change: c.1286A>G on transcript NM_000465.4 (MANE Select); coding-DNA position 1286, A replaced by G.
Protein change: p.Glu429Gly; replaces glutamic acid 429 with glycine.
Molecular consequence: missense variant. On other transcripts: non-coding transcript variant (2), intron variant (3).
Genome position (GRCh38, 1-based): chr2:214,780,588, T>C on the plus strand (A>G on the coding strand, the complement: BARD1 is on the minus strand). VCF-style: chr2-214780588-T-C. GRCh37 (hg19) VCF-style: chr2-215645312-T-C.
Other names: c.1229A>G, p.Glu410Gly (NM_001282543.2); c.159-28033A>G (NM_001282548.2); c.215+16473A>G (NM_001282545.2); c.364+11709A>G (NM_001282549.2); c.1286A>G (NM_000465.2); short protein forms E429G, E410G.
Identifiers: ClinVar variation 2119222 (VCV002119222.5), dbSNP rs1559423277, ClinGen allele CA350453374.